The following is an entry in ClinVar:

NM_001374736.1(DST):c.20153G>A (p.Arg6718His)

Gene: DST (dystonin; minus strand). Cytogenetic location: 6p12.1.
Variant type: single nucleotide variant.
Coding change: c.20153G>A on transcript NM_001374736.1 (MANE Select); coding-DNA position 20153, G replaced by A.
Protein change: p.Arg6718His; replaces arginine 6718 with histidine.
Molecular consequence: missense variant.
Genome position (GRCh38, 1-based): chr6:56,497,449, C>T on the plus strand (G>A on the coding strand, the complement: DST is on the minus strand). VCF-style: chr6-56497449-C-T. GRCh37 (hg19) VCF-style: chr6-56362247-C-T.
Other names: p.Arg4095His; c.13796G>A (NM_001144769.2); c.13796G>A, p.Arg4599His (NM_001144769.5); c.13382G>A, p.Arg4461His (NM_001144770.2); c.20153G>A, p.Arg6718His (NM_001374722.1); c.19193G>A, p.Arg6398His (NM_001374729.1); c.12935G>A, p.Arg4312His (NM_001374730.1); c.20180G>A, p.Arg6727His (NM_001374734.1); and 2 more; short protein forms R4095H, R4312H, R4421H, R4461H, R4599H, R6398H, R6718H, R6727H.
Identifiers: ClinVar variation 1166338 (VCV001166338.34), dbSNP rs79728438, ClinGen allele CA3866824.

ClinVar aggregate classification (germline): Conflicting classifications of pathogenicity. Review status: criteria provided, conflicting classifications (1 of 4 stars). 5 submissions from 5 submitters: Uncertain significance (1); Benign (2); Likely benign (1). 1 of the submissions does not count toward it. Last evaluated 2025-12-17.

Conditions:
DST-related disorder. Also called: DST-related disorders; DST-related condition.
Hereditary sensory and autonomic neuropathy type 6. Also called: HSAN VI; Neuropathy, hereditary sensory and autonomic, type VI. Identifiers: Orphanet 314381, MedGen C3539003, MONDO:0013839, OMIM 614653.
Epidermolysis bullosa simplex 3, localized or generalized intermediate, with BP230 deficiency (EBS3). Also called: Epidermolysis bullosa simplex due to BP230 deficiency; Epidermolysis bullosa simplex, autosomal recessive 2. Identifiers: Orphanet 412181, MedGen C3809470, MONDO:0014180, OMIM 615425.

Allele frequency attached by ClinVar (database versions not stated): ESP Exome Variant Server 0.00016; gnomAD exomes 0.00081 and 0.00115; gnomAD 0.00083 and 0.00095; TOPMed 0.00106; ExAC 0.00111; 1000 Genomes Project 30x 0.00203; 1000 Genomes Project 0.00260.
gnomAD v4.1: 1,317 of 1,613,134 alleles (0.082%); highest among the groups gnomAD compares: East Asian, 1.9%; 6 homozygotes.

Submissions (5):

Labcorp Genetics (formerly Invitae), Labcorp
Classification: Benign for Epidermolysis bullosa simplex 3, localized or generalized intermediate, with BP230 deficiency; Hereditary sensory and autonomic neuropathy type 6. Last evaluated: 2025-12-17. Review status: criteria provided, single submitter. Criteria: Invitae Variant Classification Sherloc (09022015). Collection method: clinical testing. Allele origin: germline.

GeneDx
Classification: Uncertain significance. Last evaluated: 2025-04-11. Review status: criteria provided, single submitter. Criteria: GeneDx Variant Classification Process June 2021. Collection method: clinical testing. Allele origin: germline.
Comment: In silico analysis supports that this missense variant has a deleterious effect on protein structure/function; Reported using an alternate transcript (non-epithelial isoform) of the gene; Also known as c.13796G>A, p.R4599H; This variant is associated with the following publications: (PMID: 34897952, 37431644, 32528525, 29706348, 36507129)

Mayo Clinic Laboratories, Mayo Clinic
Classification: Benign. Last evaluated: 2025-02-05. Review status: criteria provided, single submitter. Criteria: ACMG Guidelines, 2015. Collection method: clinical testing. Allele origin: germline. Observed: 1 variant allele.
Comment: BS1, BS2, BP4

CeGaT Center for Human Genetics Tuebingen
Classification: Likely benign. Last evaluated: 2024-02-01. Review status: criteria provided, single submitter. Criteria: CeGaT Center For Human Genetics Tuebingen Variant Classification Criteria Version 2. Collection method: clinical testing. Allele origin: germline. Affected: yes. Observed: 1 variant allele.
Comment: DST: BS1

PreventionGenetics, part of Exact Sciences
Classification: Likely benign for DST-related condition. Last evaluated: 2019-04-05. Review status: no assertion criteria provided. Collection method: clinical testing. Allele origin: germline. Not counted in ClinVar's aggregate classification.
Comment: This variant is classified as likely benign based on ACMG/AMP sequence variant interpretation guidelines (Richards et al. 2015 PMID: 25741868, with internal and published modifications).

Literature cited by the submitters: PubMed 32528525 (cited by Mayo Clinic Laboratories, Mayo Clinic).